The following is an entry in ClinVar:

NM_000317.3(PTS):c.379C>G (p.Leu127Val)

Gene: PTS (6-pyruvoyltetrahydropterin synthase; plus strand). Cytogenetic location: 11q23.1.
Variant type: single nucleotide variant.
Coding change: c.379C>G on transcript NM_000317.3 (MANE Select); coding-DNA position 379, C replaced by G.
Protein change: p.Leu127Val; replaces leucine 127 with valine.
Molecular consequence: missense variant.
Genome position (GRCh38, 1-based): chr11:112,233,496, C>G. VCF-style: chr11-112233496-C-G. GRCh37 (hg19) VCF-style: chr11-112104219-C-G.
Other names: c.379C>G (NM_000317.2); short protein forms L127V.
Identifiers: ClinVar variation 1513818 (VCV001513818.9), dbSNP rs1859971515, ClinGen allele CA382628076.

ClinVar aggregate classification (germline): Conflicting classifications of pathogenicity. Review status: criteria provided, conflicting classifications (1 of 4 stars). 4 submissions from 4 submitters: Likely pathogenic (3); Uncertain significance (1). Last evaluated 2024-12-12.

Conditions:
Inborn genetic diseases. Identifiers: MedGen C0950123, MeSH D030342.
6-Pyruvoyl-tetrahydrobiopterin synthase deficiency. Also called: PTS-Related Tetrahydrobiopterin Deficiency; BH4-deficient hyperphenylalaninemia A; PTS DEFICIENCY; 6-Pyruvoyltetrahydropterin Synthase Deficiency; HYPERPHENYLALANINEMIA, TETRAHYDROBIOPTERIN-DEFICIENT, DUE TO PTS DEFICIENCY; Hyperphenylalanemia, BH4-deficient, A. Identifiers: Orphanet 13, Orphanet 238583, MedGen C0878676, MONDO:0009863, OMIM 261640.

Allele frequency attached by ClinVar (database versions not stated): gnomAD exomes below 0.00001; gnomAD 0.00001.
gnomAD v4.1: 2 of 1,612,762 alleles (0.00012%); highest among the groups gnomAD compares: Admixed American, 0.0017%; no homozygotes.

Submissions (4):

Labcorp Genetics (formerly Invitae), Labcorp
Classification: Likely pathogenic for 6-Pyruvoyl-tetrahydrobiopterin synthase deficiency. Last evaluated: 2024-12-12. Review status: criteria provided, single submitter. Criteria: Invitae Variant Classification Sherloc (09022015). Collection method: clinical testing. Allele origin: germline.
Comment: This sequence change replaces leucine, which is neutral and non-polar, with valine, which is neutral and non-polar, at codon 127 of the PTS protein (p.Leu127Val). This variant is not present in population databases (gnomAD no frequency). This missense change has been observed in individual(s) with clinical features of biopterin deficient hyperphenylalanemia (PMID: 33234470). ClinVar contains an entry for this variant (Variation ID: 1513818). An algorithm developed to predict the effect of missense changes on protein structure and function (PolyPhen-2) suggests that this variant is likely to be disruptive. This variant disrupts the p.Leu127 amino acid residue in PTS. Other variant(s) that disrupt this residue have been determined to be pathogenic (PMID: 18505119, 23138986, 29499199). This suggests that this residue is clinically significant, and that variants that disrupt this residue are likely to be disease-causing. In summary, the currently available evidence indicates that the variant is pathogenic, but additional data are needed to prove that conclusively. Therefore, this variant has been classified as Likely Pathogenic.

Women's Health and Genetics/Laboratory Corporation of America, LabCorp
Classification: Likely pathogenic for 6-Pyruvoyl-tetrahydrobiopterin synthase deficiency. Last evaluated: 2024-08-07. Review status: criteria provided, single submitter. Criteria: LabCorp Variant Classification Summary - May 2015. Collection method: clinical testing. Allele origin: germline.
Comment: Variant summary: PTS c.379C>G (p.Leu127Val) results in a conservative amino acid change in the encoded protein sequence. Four of five in-silico tools predict a damaging effect of the variant on protein function. The variant was absent in 250752 control chromosomes (gnomAD). c.379C>G has been reported in the literature in individuals affected with 6-Pyruvoyl-Tetrahydropterin Synthase Deficiency (Manti_2020, Manzoni_2020, Rovelli_2023). These data indicate that the variant may be associated with disease. A different variant affecting the same codon has been classified as pathogenic by our lab (c.379C>T, p.Leu127Phe), supporting the critical relevance of codon 127 to PTS protein function. To our knowledge, no experimental evidence demonstrating an impact on protein function has been reported. The following publications have been ascertained in the context of this evaluation (PMID: 32651154, 33234470, 36537053). ClinVar contains an entry for this variant (Variation ID: 1513818). Based on the evidence outlined above, the variant was classified as likely pathogenic.

Fulgent Genetics
Classification: Likely pathogenic for 6-Pyruvoyl-tetrahydrobiopterin synthase deficiency. Last evaluated: 2024-05-21. Review status: criteria provided, single submitter. Criteria: ACMG Guidelines, 2015. Collection method: clinical testing. Allele origin: germline.

Ambry Genetics
Classification: Uncertain significance for Inborn genetic diseases. Last evaluated: 2022-08-18. Review status: criteria provided, single submitter. Criteria: Ambry Variant Classification Scheme 2023. Collection method: clinical testing. Allele origin: germline.

Literature cited by the submitters: PubMed 33234470 (cited by 3 submitters); PubMed 18505119 (cited by Labcorp Genetics (formerly Invitae), Labcorp); PubMed 23138986 (cited by Labcorp Genetics (formerly Invitae), Labcorp); PubMed 29499199 (cited by Labcorp Genetics (formerly Invitae), Labcorp); PubMed 32651154 (cited by Women's Health and Genetics/Laboratory Corporation of America, LabCorp and Ambry Genetics); PubMed 36537053 (cited by Women's Health and Genetics/Laboratory Corporation of America, LabCorp).